The following is an entry in ClinVar:

NM_152468.5(TMC8):c.561_583del (p.Ala188fs)

Gene: TMC8 (transmembrane channel like 8; plus strand). Cytogenetic location: 17q25.3.
Variant type: Deletion.
Coding change: c.561_583del on transcript NM_152468.5 (MANE Select); coding-DNA positions 561 to 583, 23 bases deleted (TGCGTACCGAGTGGGGCCGGAGA).
Protein change: p.Ala188fs; shifts the reading frame from alanine 188.
Molecular consequence: frameshift variant.
Genome position (GRCh38, 1-based): chr17:78,133,435-78,133,457, TGCGTACCGAGTGGGGCCGGAGA deleted. VCF-style (leftmost placement, unchanged base first): chr17-78133434-GTGCGTACCGAGTGGGGCCGGAGA-G. GRCh37 (hg19) VCF-style: chr17-76129515-GTGCGTACCGAGTGGGGCCGGAGA-G.
Other names: short protein forms A188fs.
Identifiers: ClinVar variation 2759118 (VCV002759118.3), dbSNP rs763948485, ClinGen allele CA8796509.

ClinVar aggregate classification (germline): Pathogenic (1 of 4 stars; one submission).

Conditions:
Epidermodysplasia verruciformis. Identifiers: Orphanet 302, MedGen C0014522, MONDO:0009176.

Allele frequency attached by ClinVar (database versions not stated): TOPMed 0.00001; ExAC 0.00002; gnomAD exomes 0.00002.

Submission:

Labcorp Genetics (formerly Invitae), Labcorp
Classification: Pathogenic for Epidermodysplasia verruciformis. Last evaluated: 2023-01-01. Review status: criteria provided, single submitter. Criteria: Invitae Variant Classification Sherloc (09022015). Collection method: clinical testing. Allele origin: germline.
Comment: Algorithms developed to predict the effect of sequence changes on RNA splicing suggest that this variant may disrupt the consensus splice site. For these reasons, this variant has been classified as Pathogenic. This premature translational stop signal has been observed in individual(s) with epidermodysplasia verruciformis (PMID: 17368633). This variant is present in population databases (rs763948485, gnomAD 0.01%). This sequence change creates a premature translational stop signal (p.Ala188Glnfs*71) in the TMC8 gene. It is expected to result in an absent or disrupted protein product. Loss-of-function variants in TMC8 are known to be pathogenic (PMID: 12426567, 22158547).

Literature cited by the submitters: PubMed 17368633; PubMed 12426567; PubMed 22158547.